The following is an entry in ClinVar:

NM_018943.3(TUBA8):c.578C>A (p.Thr193Asn)

Gene: TUBA8 (tubulin alpha 8; plus strand). Cytogenetic location: 22q11.21.
Variant type: single nucleotide variant.
Coding change: c.578C>A on transcript NM_018943.3 (MANE Select); coding-DNA position 578, C replaced by A.
Protein change: p.Thr193Asn; replaces threonine 193 with asparagine.
Molecular consequence: missense variant.
Genome position (GRCh38, 1-based): chr22:18,126,556, C>A. VCF-style: chr22-18126556-C-A. GRCh37 (hg19) VCF-style: chr22-18609323-C-A.
Other names: c.380C>A, p.Thr127Asn (NM_001193414.2); short protein forms T127N, T193N.
Identifiers: ClinVar variation 2999653 (VCV002999653.3), dbSNP rs138855467, ClinGen allele CA10093712.

ClinVar aggregate classification (germline): Uncertain significance (1 of 4 stars; one submission).

Allele frequency attached by ClinVar (database versions not stated): TOPMed below 0.00001; gnomAD 0.00001; ESP Exome Variant Server 0.00008.
gnomAD v4.1: 4 of 1,614,068 alleles (0.00025%); highest among the groups gnomAD compares: African/African-American, 0.004%; no homozygotes.

Submission:

Labcorp Genetics (formerly Invitae), Labcorp
Classification: Uncertain significance. Last evaluated: 2024-03-05. Review status: criteria provided, single submitter. Criteria: Invitae Variant Classification Sherloc (09022015). Collection method: clinical testing. Allele origin: germline.
Comment: This sequence change replaces threonine, which is neutral and polar, with asparagine, which is neutral and polar, at codon 193 of the TUBA8 protein (p.Thr193Asn). This variant is not present in population databases (gnomAD no frequency). This variant has not been reported in the literature in individuals affected with TUBA8-related conditions. Advanced modeling of protein sequence and biophysical properties (such as structural, functional, and spatial information, amino acid conservation, physicochemical variation, residue mobility, and thermodynamic stability) performed at Invitae indicates that this missense variant is not expected to disrupt TUBA8 protein function with a negative predictive value of 80%. In summary, the available evidence is currently insufficient to determine the role of this variant in disease. Therefore, it has been classified as a Variant of Uncertain Significance.